The following is an entry in ClinVar:

ClinVar aggregate classification (germline): Uncertain significance (1 of 4 stars; one submission).

Conditions:
Familial acute necrotizing encephalopathy (IIAE3). Also called: ENCEPHALOPATHY, ACUTE, INFECTION-INDUCED, SUSCEPTIBILITY TO, 3; Susceptibility to Acute Necrotizing Encephalopathy 1. Identifiers: Orphanet 88619, MedGen C2675556, MONDO:0011953, OMIM 608033.

gnomAD v4.1: 2 of 1,611,616 alleles (0.00012%); highest among the groups gnomAD compares: East Asian, 0.0045%; no homozygotes.

Submission:

Labcorp Genetics (formerly Invitae), Labcorp
Classification: Uncertain significance for Familial acute necrotizing encephalopathy. Last evaluated: 2025-07-30. Review status: criteria provided, single submitter. Criteria: Invitae Variant Classification Sherloc (09022015). Collection method: clinical testing. Allele origin: germline.
Comment: This sequence change replaces asparagine, which is neutral and polar, with tyrosine, which is neutral and polar, at codon 682 of the RANBP2 protein (p.Asn682Tyr). This variant is present in population databases (rs779081389, gnomAD 0.02%). This variant has not been reported in the literature in individuals affected with RANBP2-related conditions. An algorithm developed to predict the effect of missense changes on protein structure and function (PolyPhen-2) suggests that this variant is likely to be tolerated. In summary, the available evidence is currently insufficient to determine the role of this variant in disease. Therefore, it has been classified as a Variant of Uncertain Significance.

NM_006267.5(RANBP2):c.2044A>T (p.Asn682Tyr)

Gene: RANBP2 (RAN binding protein 2; plus strand). Cytogenetic location: 2q13.
Variant type: single nucleotide variant.
Coding change: c.2044A>T on transcript NM_006267.5 (MANE Select); coding-DNA position 2044, A replaced by T.
Protein change: p.Asn682Tyr; replaces asparagine 682 with tyrosine.
Molecular consequence: missense variant.
Genome position (GRCh38, 1-based): chr2:108,753,552, A>T. VCF-style: chr2-108753552-A-T. GRCh37 (hg19) VCF-style: chr2-109370008-A-T.
Other names: c.2044A>T, p.Asn682Tyr (NM_001415871.1, NM_001415873.1); c.2041A>T, p.Asn681Tyr (NM_001415872.1); short protein forms N681Y, N682Y.
Identifiers: ClinVar variation 4779767 (VCV004779767.1).